The following is an entry in ClinVar:

NM_001370259.2(MEN1):c.657C>G (p.Ser219Arg)

Gene: MEN1 (menin 1; minus strand). Cytogenetic location: 11q13.1.
Variant type: single nucleotide variant.
Coding change: c.657C>G on transcript NM_001370259.2 (MANE Select); coding-DNA position 657, C replaced by G.
Protein change: p.Ser219Arg; replaces serine 219 with arginine.
Molecular consequence: missense variant. On other transcripts: non-coding transcript variant (4).
Genome position (GRCh38, 1-based): chr11:64,807,678, G>C on the plus strand (C>G on the coding strand, the complement: MEN1 is on the minus strand). VCF-style: chr11-64807678-G-C. GRCh37 (hg19) VCF-style: chr11-64575150-G-C.
Other names: c.672C>G, p.Ser224Arg (NM_000244.4, NM_001407145.1, NM_001407150.1 and 5 more transcripts); c.657C>G, p.Ser219Arg (NM_001370251.2, NM_001370260.2, NM_001370261.2 and 7 more transcripts); c.552C>G, p.Ser184Arg (NM_001370262.2, NM_001370263.2, NM_001407148.1 and 2 more transcripts); short protein forms S184R, S219R, S224R.
Identifiers: ClinVar variation 4799269 (VCV004799269.2).

ClinVar aggregate classification (germline): Uncertain significance. Review status: criteria provided, multiple submitters, no conflicts (2 of 4 stars). 2 submissions from 2 submitters: Uncertain significance (2). Last evaluated 2026-06-28.

Conditions:
Multiple endocrine neoplasia, type 1 (MEN1). Also called: MEN I; WERMER SYNDROME; Endocrine adenomatosis multiple; MEN 1; MEA I. Identifiers: Orphanet 652, MedGen C0025267, MeSH D018761, MONDO:0007540, OMIM 131100.
Hereditary cancer-predisposing syndrome. Also called: Hereditary Cancer Syndrome; Hereditary neoplastic syndrome; Neoplastic Syndromes, Hereditary; Tumor predisposition. Identifiers: Orphanet 140162, MedGen C0027672, MeSH D009386, MONDO:0015356.

Submissions (2):

Ambry Genetics
Classification: Uncertain significance for Hereditary cancer-predisposing syndrome. Last evaluated: 2026-06-28. Review status: criteria provided, single submitter. Criteria: Ambry Variant Classification Scheme 2023. Collection method: clinical testing. Allele origin: germline.
Comment: The p.S219R variant (also known as c.657C>G), located in coding exon 3 of the MEN1 gene, results from a C to G substitution at nucleotide position 657. The serine at codon 219 is replaced by arginine, an amino acid with dissimilar properties. This amino acid position is conserved. In addition, this alteration is predicted to be deleterious by in silico analysis. Based on the available evidence, the clinical significance of this variant remains unclear.

Labcorp Genetics (formerly Invitae), Labcorp
Classification: Uncertain significance for Multiple endocrine neoplasia, type 1. Last evaluated: 2025-11-25. Review status: criteria provided, single submitter. Criteria: Invitae Variant Classification Sherloc (09022015). Collection method: clinical testing. Allele origin: germline.
Comment: This sequence change replaces serine, which is neutral and polar, with arginine, which is basic and polar, at codon 219 of the MEN1 protein (p.Ser219Arg). This variant is not present in population databases (gnomAD no frequency). This variant has not been reported in the literature in individuals affected with MEN1-related conditions. An algorithm developed to predict the effect of missense changes on protein structure and function (PolyPhen-2) suggests that this variant is likely to be disruptive. In summary, the available evidence is currently insufficient to determine the role of this variant in disease. Therefore, it has been classified as a Variant of Uncertain Significance.